The following is an entry in ClinVar:

NM_018082.6(POLR3B):c.2662A>G (p.Thr888Ala)

Gene: POLR3B (RNA polymerase III subunit B; plus strand). Cytogenetic location: 12q23.3.
Variant type: single nucleotide variant.
Coding change: c.2662A>G on transcript NM_018082.6 (MANE Select); coding-DNA position 2662, A replaced by G.
Protein change: p.Thr888Ala; replaces threonine 888 with alanine.
Molecular consequence: missense variant.
Genome position (GRCh38, 1-based): chr12:106,463,569, A>G. VCF-style: chr12-106463569-A-G. GRCh37 (hg19) VCF-style: chr12-106857347-A-G.
Other names: c.2488A>G, p.Thr830Ala (NM_001160708.2); short protein forms T830A, T888A.
Identifiers: ClinVar variation 4540298 (VCV004540298.1).

ClinVar aggregate classification (germline): Uncertain significance (1 of 4 stars; one submission).

Submission:

GeneDx
Classification: Uncertain significance. Last evaluated: 2025-06-24. Review status: criteria provided, single submitter. Criteria: GeneDx Variant Classification Process June 2021. Collection method: clinical testing. Allele origin: germline. Affected: yes.
Comment: Not observed at significant frequency in large population cohorts (gnomAD); In silico analysis supports that this missense variant has a deleterious effect on protein structure/function; Has not been previously published as pathogenic or benign to our knowledge